The following is an entry in ClinVar:

NM_000426.4(LAMA2):c.5042T>C (p.Phe1681Ser)

Gene: LAMA2 (laminin subunit alpha 2; plus strand). Cytogenetic location: 6q22.33.
Variant type: single nucleotide variant.
Coding change: c.5042T>C on transcript NM_000426.4 (MANE Select); coding-DNA position 5042, T replaced by C.
Protein change: p.Phe1681Ser; replaces phenylalanine 1681 with serine.
Molecular consequence: missense variant.
Genome position (GRCh38, 1-based): chr6:129,383,204, T>C. VCF-style: chr6-129383204-T-C. GRCh37 (hg19) VCF-style: chr6-129704349-T-C.
Other names: c.5042T>C, p.Phe1681Ser (NM_001079823.2); short protein forms F1681S.
Identifiers: ClinVar variation 2105487 (VCV002105487.4), dbSNP rs2482690833, ClinGen allele CA365628768.

ClinVar aggregate classification (germline): Uncertain significance (1 of 4 stars; one submission).

Conditions:
LAMA2-related muscular dystrophy (LAMA2-RD). Also called: Laminin alpha 2-related dystrophy. Identifiers: MedGen C5679788, MONDO:0100228.

Submission:

Labcorp Genetics (formerly Invitae), Labcorp
Classification: Uncertain significance for LAMA2-related muscular dystrophy. Last evaluated: 2024-10-15. Review status: criteria provided, single submitter. Criteria: Invitae Variant Classification Sherloc (09022015). Collection method: clinical testing. Allele origin: germline.
Comment: This sequence change replaces phenylalanine, which is neutral and non-polar, with serine, which is neutral and polar, at codon 1681 of the LAMA2 protein (p.Phe1681Ser). This variant is not present in population databases (gnomAD no frequency). This variant has not been reported in the literature in individuals affected with LAMA2-related conditions. ClinVar contains an entry for this variant (Variation ID: 2105487). Invitae Evidence Modeling of protein sequence and biophysical properties (such as structural, functional, and spatial information, amino acid conservation, physicochemical variation, residue mobility, and thermodynamic stability) indicates that this missense variant is not expected to disrupt LAMA2 protein function with a negative predictive value of 95%. In summary, the available evidence is currently insufficient to determine the role of this variant in disease. Therefore, it has been classified as a Variant of Uncertain Significance.